The following is an entry in ClinVar:

ClinVar aggregate classification (germline): Uncertain significance (1 of 4 stars; one submission).

Conditions:
Mowat-Wilson syndrome (MOWS). Also called: Classic Mowat-Wilson Syndrome. Identifiers: Orphanet 2152, MedGen C1856113, MONDO:0009341, OMIM 235730.

Allele frequency attached by ClinVar (database versions not stated): gnomAD exomes below 0.00001.
gnomAD v4.1: 1 of 1,614,080 alleles (0.000062%); highest among the groups gnomAD compares: Non-Finnish European, 0.000085%; no homozygotes.

Submission:

Labcorp Genetics (formerly Invitae), Labcorp
Classification: Uncertain significance for Mowat-Wilson syndrome. Last evaluated: 2020-06-06. Review status: criteria provided, single submitter. Criteria: Invitae Variant Classification Sherloc (09022015). Collection method: clinical testing. Allele origin: germline.
Comment: This sequence change replaces phenylalanine with leucine at codon 889 of the ZEB2 protein (p.Phe889Leu). The phenylalanine residue is highly conserved and there is a small physicochemical difference between phenylalanine and leucine. This variant is not present in population databases (ExAC no frequency). In summary, the available evidence is currently insufficient to determine the role of this variant in disease. Therefore, it has been classified as a Variant of Uncertain Significance. Algorithms developed to predict the effect of missense changes on protein structure and function are either unavailable or do not agree on the potential impact of this missense change (SIFT: "Deleterious"; PolyPhen-2: "Benign"; Align-GVGD: "Class C0"). This variant has not been reported in the literature in individuals with ZEB2-related conditions.

NM_014795.4(ZEB2):c.2665T>C (p.Phe889Leu)

Gene: ZEB2 (zinc finger E-box binding homeobox 2; minus strand). Cytogenetic location: 2q22.3.
Variant type: single nucleotide variant.
Coding change: c.2665T>C on transcript NM_014795.4 (MANE Select); coding-DNA position 2665, T replaced by C.
Protein change: p.Phe889Leu; replaces phenylalanine 889 with leucine.
Molecular consequence: missense variant.
Genome position (GRCh38, 1-based): chr2:144,398,522, A>G on the plus strand (T>C on the coding strand, the complement: ZEB2 is on the minus strand). VCF-style: chr2-144398522-A-G. GRCh37 (hg19) VCF-style: chr2-145156089-A-G.
Other names: c.2593T>C, p.Phe865Leu (NM_001171653.2); short protein forms F865L, F889L.
Identifiers: ClinVar variation 1043093 (VCV001043093.8), dbSNP rs895859447, ClinGen allele CA57554856.